The following is an entry in ClinVar:

NM_001008723.2(CFAP58):c.2603C>A (p.Thr868Asn)

Gene: CFAP58 (cilia and flagella associated protein 58; plus strand). Cytogenetic location: 10q25.1.
Variant type: single nucleotide variant.
Coding change: c.2603C>A on transcript NM_001008723.2 (MANE Select); coding-DNA position 2603, C replaced by A.
Protein change: p.Thr868Asn; replaces threonine 868 with asparagine.
Molecular consequence: missense variant.
Genome position (GRCh38, 1-based): chr10:104,454,514, C>A. VCF-style: chr10-104454514-C-A. GRCh37 (hg19) VCF-style: chr10-106214272-C-A.
Other names: c.2549C>A, p.Thr850Asn (NM_001400226.1, NM_001400227.1); short protein forms T850N, T868N.
Identifiers: ClinVar variation 2640817 (VCV002640817.24), dbSNP rs74741614, ClinGen allele CA5683235.

ClinVar aggregate classification (germline): Benign (1 of 4 stars; one submission).

Allele frequency attached by ClinVar (database versions not stated): 1000 Genomes Project 0.00519; 1000 Genomes Project 30x 0.00625; gnomAD exomes 0.01019; ExAC 0.01040; ESP Exome Variant Server 0.01215.
gnomAD v4.1: 16,476 of 1,613,214 alleles (1%); highest among the groups gnomAD compares: Middle Eastern, 2.5%; 121 homozygotes.

Submission:

CeGaT Center for Human Genetics Tuebingen
Classification: Benign. Last evaluated: 2026-01-01. Review status: criteria provided, single submitter. Criteria: CeGaT Center For Human Genetics Tuebingen Variant Classification Criteria Version 2. Collection method: clinical testing. Allele origin: germline. Affected: yes. Observed: 5 variant alleles.
Comment: CFAP58: BP4, BS1, BS2